The following is an entry in ClinVar:

NM_000152.5(GAA):c.2218G>T (p.Val740Leu)

Gene: GAA (alpha glucosidase; plus strand). Cytogenetic location: 17q25.3.
Variant type: single nucleotide variant.
Coding change: c.2218G>T on transcript NM_000152.5 (MANE Select); coding-DNA position 2218, G replaced by T.
Protein change: p.Val740Leu; replaces valine 740 with leucine.
Molecular consequence: missense variant.
Genome position (GRCh38, 1-based): chr17:80,116,996, G>T. VCF-style: chr17-80116996-G-T. GRCh37 (hg19) VCF-style: chr17-78090795-G-T.
Other names: c.2218G>T, p.Val740Leu (NM_001079803.3, NM_001079804.3); short protein forms V740L.
Identifiers: ClinVar variation 1443710 (VCV001443710.5), dbSNP rs752122499, ClinGen allele CA294856435.

ClinVar aggregate classification (germline): Uncertain significance (1 of 4 stars; one submission).

Conditions:
Glycogen storage disease, type II (IOPD). Also called: Glucosidase acid-1,4-alpha deficiency; Pompe Disease; GLYCOGENOSIS, GENERALIZED, CARDIAC FORM; GSD II; POMPE DISEASE, INFANTILE-ONSET; GLYCOGEN STORAGE DISEASE II, INFANTILE-ONSET. Identifiers: Orphanet 365, MedGen C0017921, MONDO:0009290, OMIM 232300.

Allele frequency attached by ClinVar (database versions not stated): gnomAD 0.00001.

Submission:

Labcorp Genetics (formerly Invitae), Labcorp
Classification: Uncertain significance for Glycogen storage disease, type II. Last evaluated: 2022-03-22. Review status: criteria provided, single submitter. Criteria: Invitae Variant Classification Sherloc (09022015). Collection method: clinical testing. Allele origin: germline.
Comment: This sequence change replaces valine, which is neutral and non-polar, with leucine, which is neutral and non-polar, at codon 740 of the GAA protein (p.Val740Leu). This variant is not present in population databases (gnomAD no frequency). This variant has not been reported in the literature in individuals affected with GAA-related conditions. Advanced modeling of protein sequence and biophysical properties (such as structural, functional, and spatial information, amino acid conservation, physicochemical variation, residue mobility, and thermodynamic stability) performed at Invitae indicates that this missense variant is not expected to disrupt GAA protein function. In summary, the available evidence is currently insufficient to determine the role of this variant in disease. Therefore, it has been classified as a Variant of Uncertain Significance.